The following is an entry in ClinVar:

NM_001267550.2(TTN):c.9691C>T (p.Leu3231Phe)

Gene: TTN (titin; minus strand). Cytogenetic location: 2q31.2.
Variant type: single nucleotide variant.
Coding change: c.9691C>T on transcript NM_001267550.2 (MANE Select); coding-DNA position 9691, C replaced by T.
Protein change: p.Leu3231Phe; replaces leucine 3231 with phenylalanine.
Molecular consequence: missense variant.
Genome position (GRCh38, 1-based): chr2:178,766,393, G>A on the plus strand (C>T on the coding strand, the complement: TTN is on the minus strand). VCF-style: chr2-178766393-G-A. GRCh37 (hg19) VCF-style: chr2-179631120-G-A.
Other names: c.9691C>T, p.Leu3231Phe (NM_133378.4, NM_001256850.1, NM_133379.5); c.9553C>T, p.Leu3185Phe (NM_003319.4, NM_133432.3, NM_133437.4); short protein forms L3231F, L3185F.
Identifiers: ClinVar variation 192065 (VCV000192065.1), dbSNP rs786205404, ClinGen allele CA238218.

ClinVar aggregate classification (germline): Uncertain significance (1 of 4 stars; one submission).

Allele frequency attached by ClinVar (database versions not stated): gnomAD exomes below 0.00001.
gnomAD v4.1: 2 of 1,609,656 alleles (0.00012%); highest among the groups gnomAD compares: Admixed American, 0.0017%; no homozygotes.

Submission:

Biesecker Lab/Clinical Genomics Section, National Institutes of Health
Classification: Uncertain significance. Last evaluated: 2013-06-24. Review status: criteria provided, single submitter. Criteria: Ng et al. (Circ Cardiovasc Genet. 2013). Collection method: research. Allele origin: unknown. Observed: 1 variant allele. Study: ClinSeq.
Comment: The study set was not selected for affection status in relation to any cancer. Pathogenicity categories were based on literature curation. See Pubmed ID:23861362 for details.

Medical sequencing